The following is an entry in ClinVar:

NM_176787.5(PIGN):c.1992G>A (p.Met664Ile)

Gene: PIGN (phosphatidylinositol glycan anchor biosynthesis class N; minus strand). Cytogenetic location: 18q21.33.
Variant type: single nucleotide variant.
Coding change: c.1992G>A on transcript NM_176787.5 (MANE Select); coding-DNA position 1992, G replaced by A.
Protein change: p.Met664Ile; replaces methionine 664 with isoleucine.
Molecular consequence: missense variant.
Genome position (GRCh38, 1-based): chr18:62,101,160, C>T on the plus strand (G>A on the coding strand, the complement: PIGN is on the minus strand). VCF-style: chr18-62101160-C-T. GRCh37 (hg19) VCF-style: chr18-59768393-C-T.
Other names: p.Met664Ile; c.1992G>A, p.Met664Ile (NM_012327.6); short protein forms M664I.
Identifiers: ClinVar variation 581324 (VCV000581324.17), dbSNP rs564513512, ClinGen allele CA8982116.

ClinVar aggregate classification (germline): Likely benign. Review status: criteria provided, multiple submitters, no conflicts (2 of 4 stars). 5 submissions from 5 submitters: Likely benign (5). Last evaluated 2026-01-13.

Conditions:
Inborn genetic diseases. Identifiers: MedGen C0950123, MeSH D030342.
Multiple congenital anomalies-hypotonia-seizures syndrome 1 (MCAHS1). Also called: GLYCOSYLPHOSPHATIDYLINOSITOL BIOSYNTHESIS DEFECT 3; PIGN-CDG; Congenital disorder of glycosylation due to PIGN deficiency. Identifiers: Orphanet 280633, MedGen C3279775, MONDO:0013563, OMIM 614080.

Allele frequency attached by ClinVar (database versions not stated): gnomAD exomes 0.00016 and 0.00010; 1000 Genomes Project 0.00040; 1000 Genomes Project 30x 0.00047; gnomAD 0.00011 and 0.00012; TOPMed 0.00014; ExAC 0.00015.
gnomAD v4.1: 180 of 1,603,824 alleles (0.011%); highest among the groups gnomAD compares: Admixed American, 0.0083%; 1 homozygote.

Submissions (5):

Labcorp Genetics (formerly Invitae), Labcorp
Classification: Likely benign for Multiple congenital anomalies-hypotonia-seizures syndrome 1. Last evaluated: 2026-01-13. Review status: criteria provided, single submitter. Criteria: Invitae Variant Classification Sherloc (09022015). Collection method: clinical testing. Allele origin: germline.

Mayo Clinic Laboratories, Mayo Clinic
Classification: Likely benign. Last evaluated: 2025-09-02. Review status: criteria provided, single submitter. Criteria: ACMG Guidelines, 2015. Collection method: clinical testing. Allele origin: germline. Observed: 1 variant allele.
Comment: BS1, BP4_moderate

Ambry Genetics
Classification: Likely benign for Inborn genetic diseases. Last evaluated: 2022-05-09. Review status: criteria provided, single submitter. Criteria: Ambry Variant Classification Scheme 2023. Collection method: clinical testing. Allele origin: germline.

GeneDx
Classification: Likely benign. Last evaluated: 2020-05-13. Review status: criteria provided, single submitter. Criteria: GeneDx Variant Classification Process June 2021. Collection method: clinical testing. Allele origin: germline. Affected: yes.
Comment: In silico analysis supports that this missense variant does not alter protein structure/function; Has not been previously published as pathogenic or benign to our knowledge

Breakthrough Genomics
Classification: Likely benign. Review status: criteria provided, single submitter. Criteria: ACMG Guidelines, 2015. Collection method: not provided. Allele origin: germline. Inheritance: Autosomal recessive inheritance. Affected: yes.